The following is an entry in ClinVar:

ClinVar aggregate classification (germline): Uncertain significance (1 of 4 stars; one submission).

Submission:

CeGaT Center for Human Genetics Tuebingen
Classification: Uncertain significance. Last evaluated: 2026-04-01. Review status: criteria provided, single submitter. Criteria: CeGaT Center For Human Genetics Tuebingen Variant Classification Criteria Version 2. Collection method: clinical testing. Allele origin: germline. Affected: yes. Observed: 1 variant allele.
Comment: BIN1: PM2

NM_139343.3(BIN1):c.1706G>A (p.Ser569Asn)

Gene: BIN1 (bridging integrator 1; minus strand). Cytogenetic location: 2q14.3.
Variant type: single nucleotide variant.
Coding change: c.1706G>A on transcript NM_139343.3 (MANE Select); coding-DNA position 1706, G replaced by A.
Protein change: p.Ser569Asn; replaces serine 569 with asparagine.
Molecular consequence: missense variant.
Genome position (GRCh38, 1-based): chr2:127,048,602, C>T on the plus strand (G>A on the coding strand, the complement: BIN1 is on the minus strand). VCF-style: chr2-127048602-C-T. GRCh37 (hg19) VCF-style: chr2-127806178-C-T.
Other names: c.1199G>A, p.Ser400Asn (NM_001320632.2); c.1337G>A, p.Ser446Asn (NM_001320633.2); c.1082G>A, p.Ser361Asn (NM_001320634.1); c.1466G>A, p.Ser489Asn (NM_001320640.2); c.1613G>A, p.Ser538Asn (NM_001320641.2); c.1625G>A, p.Ser542Asn (NM_001320642.1); c.1289G>A, p.Ser430Asn (NM_004305.4); c.1577G>A, p.Ser526Asn (NM_139344.3); and 7 more; short protein forms S361N, S385N, S400N, S415N, S430N, S446N, S451N, S458N.
Identifiers: ClinVar variation 4874592 (VCV004874592.2).